The following is an entry in ClinVar:

NM_002900.3(RBP3):c.1115T>A (p.Leu372His)

Gene: RBP3 (retinol binding protein 3; plus strand). Cytogenetic location: 10q11.22.
Variant type: single nucleotide variant.
Coding change: c.1115T>A on transcript NM_002900.3 (MANE Select); coding-DNA position 1115, T replaced by A.
Protein change: p.Leu372His; replaces leucine 372 with histidine.
Molecular consequence: missense variant.
Genome position (GRCh38, 1-based): chr10:47,349,599, T>A. VCF-style: chr10-47349599-T-A. GRCh37 (hg19) VCF-style: chr10-48389763-A-T.
Other names: short protein forms L372H.
Identifiers: ClinVar variation 1931615 (VCV001931615.5), dbSNP rs1555211141, ClinGen allele CA376668516.

ClinVar aggregate classification (germline): Uncertain significance (1 of 4 stars; one submission).

Allele frequency attached by ClinVar (database versions not stated): TOPMed below 0.00001; gnomAD 0.00001.

Submission:

Labcorp Genetics (formerly Invitae), Labcorp
Classification: Uncertain significance. Last evaluated: 2022-05-23. Review status: criteria provided, single submitter. Criteria: Invitae Variant Classification Sherloc (09022015). Collection method: clinical testing. Allele origin: germline.
Comment: In summary, the available evidence is currently insufficient to determine the role of this variant in disease. Therefore, it has been classified as a Variant of Uncertain Significance. This sequence change replaces leucine, which is neutral and non-polar, with histidine, which is basic and polar, at codon 372 of the RBP3 protein (p.Leu372His). This variant is present in population databases (no rsID available, gnomAD 0.01%). This variant has not been reported in the literature in individuals affected with RBP3-related conditions. Algorithms developed to predict the effect of missense changes on protein structure and function are either unavailable or do not agree on the potential impact of this missense change (SIFT: "Deleterious"; PolyPhen-2: "Probably Damaging"; Align-GVGD: "Class C0").